The following is an entry in ClinVar:

NM_000146.4(FTL):c.-56G>T

Gene: FTL (ferritin light chain; plus strand). Cytogenetic location: 19q13.33.
Variant type: single nucleotide variant.
Coding change: c.-56G>T on transcript NM_000146.4 (MANE Select); 56 bases upstream of the start codon, G replaced by T.
Molecular consequence: 5 prime UTR variant.
Genome position (GRCh38, 1-based): chr19:48,965,452, G>T. VCF-style: chr19-48965452-G-T. GRCh37 (hg19) VCF-style: chr19-49468709-G-T.
Identifiers: ClinVar variation 1930181 (VCV001930181.5), dbSNP rs11553267, ClinGen allele CA309375115.

ClinVar aggregate classification (germline): Uncertain significance (1 of 4 stars; one submission).

Conditions:
Hereditary hyperferritinemia with congenital cataracts. Also called: Hereditary hyperferritinemia cataract syndrome; Bonneau-Beaumont syndrome; HYPERFERRITINEMIA WITH OR WITHOUT CATARACT. Identifiers: Orphanet 163, MedGen C1833213, MONDO:0010952, OMIM 600886.
Neuroferritinopathy (NBIA3). Also called: NEURODEGENERATION WITH BRAIN IRON ACCUMULATION 3; BASAL GANGLIA DISEASE, ADULT-ONSET. Identifiers: Orphanet 157846, MedGen C1853578, MONDO:0011638, OMIM 606159.

Allele frequency attached by ClinVar (database versions not stated): gnomAD exomes below 0.00001.

Submission:

Labcorp Genetics (formerly Invitae), Labcorp
Classification: Uncertain significance for Neuroferritinopathy; Hereditary hyperferritinemia with congenital cataracts. Last evaluated: 2022-03-28. Review status: criteria provided, single submitter. Criteria: Invitae Variant Classification Sherloc (09022015). Collection method: clinical testing. Allele origin: germline.
Comment: This variant is not present in population databases (gnomAD no frequency). This variant occurs in a non-coding region of the FTL gene. It does not change the encoded amino acid sequence of the FTL protein. This variant has not been reported in the literature in individuals affected with FTL-related conditions. In summary, the available evidence is currently insufficient to determine the role of this variant in disease. Therefore, it has been classified as a Variant of Uncertain Significance.